The following is an entry in ClinVar:

ClinVar aggregate classification (germline): Uncertain significance (1 of 4 stars; one submission).

Allele frequency attached by ClinVar (database versions not stated): gnomAD 0.00013; 1000 Genomes Project 30x 0.00016; 1000 Genomes Project 0.00020; ESP Exome Variant Server 0.00031.
gnomAD v4.1: 238 of 1,607,760 alleles (0.015%); highest among the groups gnomAD compares: Admixed American, 0.022%; no homozygotes.

Submission:

Labcorp Genetics (formerly Invitae), Labcorp
Classification: Uncertain significance. Last evaluated: 2024-10-29. Review status: criteria provided, single submitter. Criteria: Invitae Variant Classification Sherloc (09022015). Collection method: clinical testing. Allele origin: germline.
Comment: This sequence change creates a premature translational stop signal (p.Arg61*) in the SLC25A21 gene. It is expected to result in an absent or disrupted protein product. However, the current clinical and genetic evidence is not sufficient to establish whether loss-of-function variants in SLC25A21 cause disease. This variant is present in population databases (rs148097801, gnomAD 0.2%), and has an allele count higher than expected for a pathogenic variant. This variant has not been reported in the literature in individuals affected with SLC25A21-related conditions. ClinVar contains an entry for this variant (Variation ID: 2182798). In summary, the available evidence is currently insufficient to determine the role of this variant in disease. Therefore, it has been classified as a Variant of Uncertain Significance.

NM_030631.4(SLC25A21):c.181C>T (p.Arg61Ter)

Gene: SLC25A21 (solute carrier family 25 member 21; minus strand). Cytogenetic location: 14q13.3.
Variant type: single nucleotide variant.
Coding change: c.181C>T on transcript NM_030631.4 (MANE Select); coding-DNA position 181, C replaced by T.
Protein change: p.Arg61Ter; replaces arginine 61 with a stop codon.
Molecular consequence: nonsense.
Genome position (GRCh38, 1-based): chr14:36,813,940, G>A on the plus strand (C>T on the coding strand, the complement: SLC25A21 is on the minus strand). VCF-style: chr14-36813940-G-A. GRCh37 (hg19) VCF-style: chr14-37283145-G-A.
Other names: c.181C>T, p.Arg61Ter (NM_001171170.2); short protein forms R61*.
Identifiers: ClinVar variation 2182798 (VCV002182798.3), dbSNP rs148097801, ClinGen allele CA7159417.